The following is an entry in ClinVar:

NM_001999.4(FBN2):c.629A>T (p.Asp210Val)

Gene: FBN2 (fibrillin 2; minus strand). Cytogenetic location: 5q23.3.
Variant type: single nucleotide variant.
Coding change: c.629A>T on transcript NM_001999.4 (MANE Select); coding-DNA position 629, A replaced by T.
Protein change: p.Asp210Val; replaces aspartic acid 210 with valine.
Molecular consequence: missense variant.
Genome position (GRCh38, 1-based): chr5:128,464,921, T>A on the plus strand (A>T on the coding strand, the complement: FBN2 is on the minus strand). VCF-style: chr5-128464921-T-A. GRCh37 (hg19) VCF-style: chr5-127800614-T-A.
Other names: short protein forms D210V.
Identifiers: ClinVar variation 3659713 (VCV003659713.2).
Genomic context (GRCh38, chr5:128,464,921, plus strand): 5'-GTCAGCTGCCCTTGGCACATCTGGTTGTTGACCTGAGTGAAACACGGGCCTGTCCTGTAA[T>A]CTGGAATGTGGGAGAAGAAAGAAAGACAGGTTTTATGATCATATACTAATCTTATACCAG-3'
Protein context (NP_001990.2, residues 200-220): YGFTGPQCER[Asp210Val]YRTGPCFTQV

ClinVar aggregate classification (germline): Uncertain significance (1 of 4 stars; one submission).

Conditions:
Congenital contractural arachnodactyly (CCA). Also called: BEALS SYNDROME; Arthrogryposis, distal, type 9; Beals-Hecht syndrome. Identifiers: Orphanet 115, MedGen C0220668, MONDO:0007363, OMIM 121050.

Submission:

Labcorp Genetics (formerly Invitae), Labcorp
Classification: Uncertain significance for Congenital contractural arachnodactyly. Last evaluated: 2024-07-17. Review status: criteria provided, single submitter. Criteria: Invitae Variant Classification Sherloc (09022015). Collection method: clinical testing. Allele origin: germline.
Comment: This sequence change replaces aspartic acid, which is acidic and polar, with valine, which is neutral and non-polar, at codon 210 of the FBN2 protein (p.Asp210Val). This variant is not present in population databases (gnomAD no frequency). This variant has not been reported in the literature in individuals affected with FBN2-related conditions. An algorithm developed to predict the effect of missense changes on protein structure and function (PolyPhen-2) suggests that this variant is likely to be tolerated. In summary, the available evidence is currently insufficient to determine the role of this variant in disease. Therefore, it has been classified as a Variant of Uncertain Significance.